The following is an entry in ClinVar:

NM_001292034.3(TAB2):c.1541T>C (p.Val514Ala)

Genes: TAB2 (TGF-beta activated kinase 1 (MAP3K7) binding protein 2; plus strand), LOC126859827 (BRD4-independent group 4 enhancer GRCh37_chr6:149699707-149700906; plus strand). Cytogenetic location: 6q25.1.
Variant type: single nucleotide variant.
Coding change: c.1541T>C on transcript NM_001292034.3 (MANE Select); coding-DNA position 1541, T replaced by C.
Protein change: p.Val514Ala; replaces valine 514 with alanine.
Molecular consequence: missense variant.
Genome position (GRCh38, 1-based): chr6:149,379,456, T>C. VCF-style: chr6-149379456-T-C. GRCh37 (hg19) VCF-style: chr6-149700592-T-C.
Other names: c.1445T>C, p.Val482Ala (NM_001292035.3); c.1541T>C, p.Val514Ala (NM_001369506.1, NM_015093.6); short protein forms V514A, V482A.
Identifiers: ClinVar variation 451419 (VCV000451419.2), dbSNP rs1554263364, ClinGen allele CA366000028.

ClinVar aggregate classification (germline): Uncertain significance (1 of 4 stars; one submission).

Submission:

GeneDx
Classification: Uncertain significance. Last evaluated: 2019-01-16. Review status: criteria provided, single submitter. Criteria: GeneDx Variant Classification (06012015). Collection method: clinical testing. Allele origin: germline. Affected: yes.
Comment: The V514A variant in the TAB2 gene has not been reported previously as a pathogenic variant, nor as a benign variant, to our knowledge. The V514A variant is not observed in large population cohorts (Lek et al., 2016; 1000 Genomes Consortium et al., 2015; Exome Variant Server). The V514A variant is a conservative amino acid substitution, which is not likely to impact secondary protein structure as these residues share similar properties. This substitution occurs at a position that is not conserved across species. In silico analysis is inconsistent in its predictions as to whether or not the variant is damaging to the protein structure/function. We interpret V514A as a variant of uncertain significance.